The following is an entry in ClinVar:

ClinVar aggregate classification (germline): Likely benign. Review status: criteria provided, multiple submitters, no conflicts (2 of 4 stars). 2 submissions from 2 submitters: Likely benign (2). Last evaluated 2022-11-01.

Allele frequency attached by ClinVar (database versions not stated): gnomAD exomes 0.00004 and 0.00009; TOPMed 0.00004; gnomAD 0.00005.
gnomAD v4.1: 136 of 1,613,234 alleles (0.0084%); highest among the groups gnomAD compares: Non-Finnish European, 0.011%; no homozygotes.

Submissions (2):

CeGaT Center for Human Genetics Tuebingen
Classification: Likely benign. Last evaluated: 2022-11-01. Review status: criteria provided, single submitter. Criteria: CeGaT Center For Human Genetics Tuebingen Variant Classification Criteria Version 2. Collection method: clinical testing. Allele origin: germline. Affected: yes. Observed: 2 variant alleles.
Comment: AFG3L2: BP4, BP7

Labcorp Genetics (formerly Invitae), Labcorp
Classification: Likely benign. Last evaluated: 2021-11-27. Review status: criteria provided, single submitter. Criteria: Invitae Variant Classification Sherloc (09022015). Collection method: clinical testing. Allele origin: germline.

NM_006796.3(AFG3L2):c.579G>A (p.Lys193=)

Gene: AFG3L2 (AFG3 like matrix AAA peptidase subunit 2; minus strand). Cytogenetic location: 18p11.21.
Variant type: single nucleotide variant.
Coding change: c.579G>A on transcript NM_006796.3 (MANE Select); coding-DNA position 579, G replaced by A.
Protein change: p.Lys193=; no amino-acid change (lysine 193 retained).
Molecular consequence: synonymous variant.
Genome position (GRCh38, 1-based): chr18:12,363,830, C>T on the plus strand (G>A on the coding strand, the complement: AFG3L2 is on the minus strand). VCF-style: chr18-12363830-C-T. GRCh37 (hg19) VCF-style: chr18-12363829-C-T.
Identifiers: ClinVar variation 1592136 (VCV001592136.31), dbSNP rs199896352, ClinGen allele CA296710703.